The following is an entry in ClinVar:

NM_030930.4(UNC93B1):c.727C>A (p.Leu243Met)

Gene: UNC93B1 (unc-93B1 regulator of TLR signaling; minus strand). Cytogenetic location: 11q13.2.
Variant type: single nucleotide variant.
Coding change: c.727C>A on transcript NM_030930.4 (MANE Select); coding-DNA position 727, C replaced by A.
Protein change: p.Leu243Met; replaces leucine 243 with methionine.
Molecular consequence: missense variant.
Genome position (GRCh38, 1-based): chr11:67,998,413, G>T on the plus strand (C>A on the coding strand, the complement: UNC93B1 is on the minus strand). VCF-style: chr11-67998413-G-T. GRCh37 (hg19) VCF-style: chr11-67765883-G-T.
Other names: short protein forms L243M.
Identifiers: ClinVar variation 1521195 (VCV001521195.6), dbSNP rs1193396536, ClinGen allele CA381574728.

ClinVar aggregate classification (germline): Uncertain significance (1 of 4 stars; one submission).

Conditions:
Encephalopathy, acute, infection-induced (herpes-specific), susceptibility to, 1. Also called: Herpes simplex encephalitis, susceptibility to, 1. Identifiers: Orphanet 1930, MedGen C2750180, MONDO:0024563, OMIM 610551.

Submission:

Labcorp Genetics (formerly Invitae), Labcorp
Classification: Uncertain significance for Encephalopathy, acute, infection-induced (herpes-specific), susceptibility to, 1. Last evaluated: 2020-12-10. Review status: criteria provided, single submitter. Criteria: Invitae Variant Classification Sherloc (09022015). Collection method: clinical testing. Allele origin: germline.
Comment: This sequence change replaces leucine with methionine at codon 243 of the UNC93B1 protein (p.Leu243Met). There is a small physicochemical difference between leucine and methionine. This variant is not present in population databases (ExAC no frequency). This variant has not been reported in the literature in individuals with UNC93B1-related conditions. Experimental studies and prediction algorithms are not available or were not evaluated, and the functional significance of this variant is currently unknown. In summary, the available evidence is currently insufficient to determine the role of this variant in disease. Therefore, it has been classified as a Variant of Uncertain Significance.